The following is an entry in ClinVar:

ClinVar aggregate classification (germline): Benign/Likely benign. Review status: criteria provided, multiple submitters, no conflicts (2 of 4 stars). 2 submissions from 2 submitters: Benign (1); Likely benign (1). Last evaluated 2026-01-13.

Conditions:
Severe X-linked myotubular myopathy (CNMX). Also called: X-linked centronuclear myopathy; Myotubular myopathy, X-linked; MYOTUBULAR MYOPATHY 1. Identifiers: Orphanet 596, MedGen C0410203, MONDO:0010683, OMIM 310400.

Submissions (2):

Labcorp Genetics (formerly Invitae), Labcorp
Classification: Benign for Severe X-linked myotubular myopathy. Last evaluated: 2026-01-13. Review status: criteria provided, single submitter. Criteria: Invitae Variant Classification Sherloc (09022015). Collection method: clinical testing. Allele origin: germline.

GeneDx
Classification: Likely benign. Last evaluated: 2017-07-27. Review status: criteria provided, single submitter. Criteria: GeneDx Variant Classification (06012015). Collection method: clinical testing. Allele origin: germline. Affected: yes.
Comment: This variant is considered likely benign or benign based on one or more of the following criteria: it is a conservative change, it occurs at a poorly conserved position in the protein, it is predicted to be benign by multiple in silico algorithms, and/or has population frequency not consistent with disease.

NM_000252.3(MTM1):c.63+7del

Gene: MTM1 (myotubularin 1; plus strand). Cytogenetic location: Xq28.
Variant type: Deletion.
Coding change: c.63+7del on transcript NM_000252.3 (MANE Select); 7 bases into the intron after coding-DNA position 63, one base deleted (T; older notation c.63+7delT).
Molecular consequence: intron variant.
Genome position (GRCh38, 1-based): chrX:150,592,684, T deleted; the last of 2 consecutive T bases (chrX:150,592,683-150,592,684); deleting either gives the same sequence. VCF-style (leftmost placement, unchanged base first): chrX-150592682-GT-G. GRCh37 (hg19) VCF-style: chrX-149761144-GT-G.
Other names: c.63+7delT (NM_000252.2); c.63+7del (NM_001376908.1, NM_001376906.1, NM_001376907.1).
Identifiers: ClinVar variation 511111 (VCV000511111.11), dbSNP rs782222093, ClinGen allele CA10539021.